The following is an entry in ClinVar:

NM_000419.5(ITGA2B):c.2716C>T (p.Pro906Ser)

Gene: ITGA2B (integrin subunit alpha 2b; minus strand). Cytogenetic location: 17q21.31.
Variant type: single nucleotide variant.
Coding change: c.2716C>T on transcript NM_000419.5 (MANE Select); coding-DNA position 2716, C replaced by T.
Protein change: p.Pro906Ser; replaces proline 906 with serine.
Molecular consequence: missense variant.
Genome position (GRCh38, 1-based): chr17:44,375,602, G>A on the plus strand (C>T on the coding strand, the complement: ITGA2B is on the minus strand). VCF-style: chr17-44375602-G-A. GRCh37 (hg19) VCF-style: chr17-42452970-G-A.
Other names: short protein forms P906S.
Identifiers: ClinVar variation 4622259 (VCV004622259.2).

ClinVar aggregate classification (germline): Uncertain significance. Review status: criteria provided, multiple submitters, no conflicts (2 of 4 stars). 2 submissions from 2 submitters: Uncertain significance (2). Last evaluated 2026-01-18.

Conditions:
Inborn genetic diseases. Identifiers: MedGen C0950123, MeSH D030342.
Glanzmann thrombasthenia. Also called: Glanzmann's thrombasthenia; BLEEDING DISORDER, PLATELET-TYPE, 2; THROMBASTHENIA OF GLANZMANN AND NAEGELI; PLATELET GLYCOPROTEIN IIb-IIIa DEFICIENCY; Thrombasthenia. Identifiers: Orphanet 849, MedGen C0040015, MONDO:0100326.

gnomAD v4.1: 5 of 1,613,980 alleles (0.00031%); highest among the groups gnomAD compares: Admixed American, 0.0033%; no homozygotes.

Submissions (2):

Labcorp Genetics (formerly Invitae), Labcorp
Classification: Uncertain significance for Glanzmann thrombasthenia. Last evaluated: 2026-01-18. Review status: criteria provided, single submitter. Criteria: Invitae Variant Classification Sherloc (09022015). Collection method: clinical testing. Allele origin: germline.
Comment: This sequence change replaces proline, which is neutral and non-polar, with serine, which is neutral and polar, at codon 906 of the ITGA2B protein (p.Pro906Ser). The frequency data for this variant in the population databases is considered unreliable, as metrics indicate poor data quality at this position in the gnomAD database. This variant has not been reported in the literature in individuals affected with ITGA2B-related conditions. An algorithm developed to predict the effect of missense changes on protein structure and function outputs the following: PolyPhen-2: "Benign". The serine amino acid residue is found in multiple mammalian species, which suggests that this missense change does not adversely affect protein function. In summary, the available evidence is currently insufficient to determine the role of this variant in disease. Therefore, it has been classified as a Variant of Uncertain Significance.

Ambry Genetics
Classification: Uncertain significance for Inborn genetic diseases. Last evaluated: 2025-11-02. Review status: criteria provided, single submitter. Criteria: Ambry Variant Classification Scheme 2023. Collection method: clinical testing. Allele origin: germline.